The following is an entry in ClinVar:

NM_014423.4(AFF4):c.307C>T (p.His103Tyr)

Gene: AFF4 (ALF transcription elongation factor 4; minus strand). Cytogenetic location: 5q31.1.
Variant type: single nucleotide variant.
Coding change: c.307C>T on transcript NM_014423.4 (MANE Select); coding-DNA position 307, C replaced by T.
Protein change: p.His103Tyr; replaces histidine 103 with tyrosine.
Molecular consequence: missense variant.
Genome position (GRCh38, 1-based): chr5:132,934,758, G>A on the plus strand (C>T on the coding strand, the complement: AFF4 is on the minus strand). VCF-style: chr5-132934758-G-A. GRCh37 (hg19) VCF-style: chr5-132270450-G-A.
Other names: short protein forms H103Y.
Identifiers: ClinVar variation 3348467 (VCV003348467.1).

ClinVar aggregate classification (germline): Uncertain significance (0 of 4 stars; one submission).

Conditions:
AFF4-related disorder. Also called: AFF4-related condition.

gnomAD v4.1: 6 of 1,614,092 alleles (0.00037%); highest among the groups gnomAD compares: Admixed American, 0.0017%; no homozygotes.

Submission:

PreventionGenetics, part of Exact Sciences
Classification: Uncertain significance for AFF4-related condition. Last evaluated: 2023-10-27. Review status: no assertion criteria provided. Collection method: clinical testing. Allele origin: germline.
Comment: The AFF4 c.307C>T variant is predicted to result in the amino acid substitution p.His103Tyr. To our knowledge, this variant has not been reported in the literature. This variant is reported in 0.0058% of alleles in individuals of Latino descent in gnomAD. At this time, the clinical significance of this variant is uncertain due to the absence of conclusive functional and genetic evidence.